The following is an entry in ClinVar:

ClinVar aggregate classification (germline): Uncertain significance (1 of 4 stars; one submission).

Submission:

Labcorp Genetics (formerly Invitae), Labcorp
Classification: Uncertain significance. Last evaluated: 2023-06-29. Review status: criteria provided, single submitter. Criteria: Invitae Variant Classification Sherloc (09022015). Collection method: clinical testing. Allele origin: germline.
Comment: In summary, the available evidence is currently insufficient to determine the role of this variant in disease. Therefore, it has been classified as a Variant of Uncertain Significance. Advanced modeling of protein sequence and biophysical properties (such as structural, functional, and spatial information, amino acid conservation, physicochemical variation, residue mobility, and thermodynamic stability) performed at Invitae indicates that this missense variant is not expected to disrupt CELSR2 protein function. This variant has not been reported in the literature in individuals affected with CELSR2-related conditions. This variant is not present in population databases (gnomAD no frequency). This sequence change replaces aspartic acid, which is acidic and polar, with tyrosine, which is neutral and polar, at codon 1769 of the CELSR2 protein (p.Asp1769Tyr).

NM_001408.3(CELSR2):c.5305G>T (p.Asp1769Tyr)

Gene: CELSR2 (cadherin EGF LAG seven-pass G-type receptor 2; plus strand). Cytogenetic location: 1p13.3.
Variant type: single nucleotide variant.
Coding change: c.5305G>T on transcript NM_001408.3 (MANE Select); coding-DNA position 5305, G replaced by T.
Protein change: p.Asp1769Tyr; replaces aspartic acid 1769 with tyrosine.
Molecular consequence: missense variant.
Genome position (GRCh38, 1-based): chr1:109,264,469, G>T. VCF-style: chr1-109264469-G-T. GRCh37 (hg19) VCF-style: chr1-109807091-G-T.
Other names: short protein forms D1769Y.
Identifiers: ClinVar variation 2778469 (VCV002778469.3), dbSNP rs372896199, ClinGen allele CA341501963.